The following is an entry in ClinVar:

NM_000297.4(PKD2):c.797_806del (p.Glu266fs)

Gene: PKD2 (polycystin 2, transient receptor potential cation channel; plus strand). Cytogenetic location: 4q22.1.
Variant type: Deletion.
Coding change: c.797_806del on transcript NM_000297.4 (MANE Select); coding-DNA positions 797 to 806, 10 bases deleted (AGAAAACTAA; older notation c.797_806delAGAAAACTAA).
Protein change: p.Glu266fs; shifts the reading frame from glutamic acid 266.
Molecular consequence: frameshift variant. On other transcripts: non-coding transcript variant (1).
Genome position (GRCh38, 1-based): chr4:88,036,307-88,036,316, AGAAAACTAA deleted. VCF-style (leftmost placement, unchanged base first): chr4-88036306-GAGAAAACTAA-G. GRCh37 (hg19) VCF-style: chr4-88957458-GAGAAAACTAA-G.
Other names: c.797_806del, p.Glu266fs (NM_001440544.1); short protein forms E266fs.
Identifiers: ClinVar variation 5006805 (VCV005006805.2).
Genomic context (GRCh38, chr4:88,036,306, plus strand): 5'-GTGTACTACTACACCCGGATGATGTCACAGCTCTTCCTAGACACCCCCGTGTCCAAAACG[GAGAAAACTAA>G]CTTTAAAACTCTGTCTTCCATGGAAGACTTCTGGAAGGTATTTGCAAATAACTTTGAAAG-3'

ClinVar aggregate classification (germline): Likely pathogenic (1 of 4 stars; one submission).

Conditions:
Polycystic kidney disease 2 (PKD2). Also called: Polycystic Kidney Disease 2, Autosomal Dominant; POLYCYSTIC KIDNEY DISEASE 2 WITH OR WITHOUT POLYCYSTIC LIVER DISEASE; POLYCYSTIC KIDNEY DISEASE, ADULT, TYPE II. Identifiers: MedGen C2751306, MONDO:0013131, OMIM 613095.

Submission:

Juno Genomics, Hangzhou Juno Genomics, Inc
Classification: Likely pathogenic for Polycystic kidney disease 2. Review status: criteria provided, single submitter. Criteria: ACMG Guidelines, 2015. Collection method: clinical testing. Allele origin: germline.
Comment: Null variant in a gene where loss of function (LOF) is a known mechanism of disease.;Absent from controls (or at extremely low frequency if recessive) in Genome Aggregation Database.